The following is an entry in ClinVar:

NM_021729.6(VPS11):c.30C>A (p.Phe10Leu)

Genes: VPS11 (VPS11 core subunit of CORVET and HOPS complexes; plus strand), LOC130006886 (ATAC-STARR-seq lymphoblastoid active region 5619; plus strand). Cytogenetic location: 11q23.3.
Variant type: single nucleotide variant.
Coding change: c.30C>A on transcript NM_021729.6 (MANE Select); coding-DNA position 30, C replaced by A.
Protein change: p.Phe10Leu; replaces phenylalanine 10 with leucine.
Molecular consequence: missense variant. On other transcripts: 5 prime UTR variant (1), non-coding transcript variant (8).
Genome position (GRCh38, 1-based): chr11:119,067,853, C>A. VCF-style: chr11-119067853-C-A. GRCh37 (hg19) VCF-style: chr11-118938564-C-A.
Other names: c.-216C>A (NM_001290185.2); c.30C>A, p.Phe10Leu (NM_001378218.1, NM_001378219.1, NM_001378220.1); short protein forms F10L.
Identifiers: ClinVar variation 1479845 (VCV001479845.6), dbSNP rs956594996, ClinGen allele CA229658279.

ClinVar aggregate classification (germline): Uncertain significance (1 of 4 stars; one submission).

gnomAD v4.1: 6 of 1,557,782 alleles (0.00039%); highest among the groups gnomAD compares: African/African-American, 0.0041%; no homozygotes.

Submission:

Labcorp Genetics (formerly Invitae), Labcorp
Classification: Uncertain significance. Last evaluated: 2023-11-27. Review status: criteria provided, single submitter. Criteria: Invitae Variant Classification Sherloc (09022015). Collection method: clinical testing. Allele origin: germline.
Comment: This sequence change replaces phenylalanine, which is neutral and non-polar, with leucine, which is neutral and non-polar, at codon 10 of the VPS11 protein (p.Phe10Leu). The frequency data for this variant in the population databases is considered unreliable, as metrics indicate poor data quality at this position in the gnomAD database. This variant has not been reported in the literature in individuals affected with VPS11-related conditions. ClinVar contains an entry for this variant (Variation ID: 1479845). Advanced modeling of protein sequence and biophysical properties (such as structural, functional, and spatial information, amino acid conservation, physicochemical variation, residue mobility, and thermodynamic stability) performed at Invitae indicates that this missense variant is not expected to disrupt VPS11 protein function with a negative predictive value of 80%. In summary, the available evidence is currently insufficient to determine the role of this variant in disease. Therefore, it has been classified as a Variant of Uncertain Significance.